The following is an entry in ClinVar:

ClinVar aggregate classification (germline): Uncertain significance (1 of 4 stars; one submission).

Conditions:
Cohen syndrome (COH1). Also called: PEPPER SYNDROME; Cutis verticis gyrata, retinitis pigmentosa, and sensorineural deafness. Identifiers: Orphanet 193, MedGen C0265223, MONDO:0008999, OMIM 216550.

gnomAD v4.1: 1 of 1,614,056 alleles (0.000062%); no homozygotes.

Submission:

Labcorp Genetics (formerly Invitae), Labcorp
Classification: Uncertain significance for Cohen syndrome. Last evaluated: 2025-05-25. Review status: criteria provided, single submitter. Criteria: Invitae Variant Classification Sherloc (09022015). Collection method: clinical testing. Allele origin: germline.
Comment: This sequence change replaces glycine, which is neutral and non-polar, with aspartic acid, which is acidic and polar, at codon 3793 of the VPS13B protein (p.Gly3793Asp). This variant is not present in population databases (gnomAD no frequency). This variant has not been reported in the literature in individuals affected with VPS13B-related conditions. Invitae Evidence Modeling of protein sequence and biophysical properties (such as structural, functional, and spatial information, amino acid conservation, physicochemical variation, residue mobility, and thermodynamic stability) has been performed for this missense variant. However, the output from this modeling did not meet the statistical confidence thresholds required to predict the impact of this variant on VPS13B protein function. In summary, the available evidence is currently insufficient to determine the role of this variant in disease. Therefore, it has been classified as a Variant of Uncertain Significance.

NM_152564.5(VPS13B):c.11303G>A (p.Gly3768Asp)

Gene: VPS13B (vacuolar protein sorting 13 homolog B; plus strand). Cytogenetic location: 8q22.2.
Variant type: single nucleotide variant.
Coding change: c.11303G>A on transcript NM_152564.5 (MANE Select); coding-DNA position 11303, G replaced by A.
Protein change: p.Gly3768Asp; replaces glycine 3768 with aspartic acid.
Molecular consequence: missense variant.
Genome position (GRCh38, 1-based): chr8:99,868,376, G>A. VCF-style: chr8-99868376-G-A. GRCh37 (hg19) VCF-style: chr8-100880604-G-A.
Other names: c.11378G>A, p.Gly3793Asp (NM_017890.5); short protein forms G3793D, G3768D.
Identifiers: ClinVar variation 4753167 (VCV004753167.1).